The following is an entry in ClinVar:

ClinVar aggregate classification (germline): Likely benign. Review status: criteria provided, multiple submitters, no conflicts (2 of 4 stars). 2 submissions from 2 submitters: Likely benign (2). Last evaluated 2026-02-01.

Conditions:
Immunodeficiency 14 (IMD14A). Also called: p110-DELTA-ACTIVATING MUTATION CAUSING SENESCENT T CELLS, LYMPHADENOPATHY, AND IMMUNODEFICIENCY; IMMUNODEFICIENCY 14A WITH LYMPHOPROLIFERATION, AUTOSOMAL DOMINANT; Activated PI3K Delta Syndrome Type 1 (APDS1); ACTIVATED PI3K-DELTA SYNDROME 1. Identifiers: Orphanet 397596, Orphanet 693661, MedGen C5907821, MONDO:0014222, OMIM 615513.

Allele frequency attached by ClinVar (database versions not stated): gnomAD exomes below 0.00001 and 0.00001; ExAC 0.00002.
gnomAD v4.1: 6 of 1,608,730 alleles (0.00037%); highest among the groups gnomAD compares: Middle Eastern, 0.033%; no homozygotes.

Submissions (2):

CeGaT Center for Human Genetics Tuebingen
Classification: Likely benign. Last evaluated: 2026-02-01. Review status: criteria provided, single submitter. Criteria: CeGaT Center For Human Genetics Tuebingen Variant Classification Criteria Version 2. Collection method: clinical testing. Allele origin: germline. Affected: yes. Observed: 1 variant allele.
Comment: PIK3CD: BP4, BP7

Labcorp Genetics (formerly Invitae), Labcorp
Classification: Likely benign for Activated PI3K-delta syndrome. Last evaluated: 2025-04-02. Review status: criteria provided, single submitter. Criteria: Invitae Variant Classification Sherloc (09022015). Collection method: clinical testing. Allele origin: germline.

NM_005026.5(PIK3CD):c.1065C>T (p.Cys355=)

Genes: PIK3CD (phosphatidylinositol-4,5-bisphosphate 3-kinase catalytic subunit delta; plus strand), LOC126805612 (MED14-independent group 3 enhancer GRCh37_chr1:9778914-9780113; plus strand). Cytogenetic location: 1p36.22.
Variant type: single nucleotide variant.
Coding change: c.1065C>T on transcript NM_005026.5 (MANE Select); coding-DNA position 1065, C replaced by T.
Protein change: p.Cys355=; no amino-acid change (cysteine 355 retained).
Molecular consequence: synonymous variant.
Genome position (GRCh38, 1-based): chr1:9,718,738, C>T. VCF-style: chr1-9718738-C-T. GRCh37 (hg19) VCF-style: chr1-9778796-C-T.
Other names: c.1065C>T, p.Cys355= (NM_001350234.2); c.978C>T, p.Cys326= (NM_001350235.1); c.1065C>T (LRG_191t1).
Identifiers: ClinVar variation 541086 (VCV000541086.13), dbSNP rs770064539, ClinGen allele CA577085.
Genomic context (GRCh38, chr1:9,718,738, plus strand): 5'-CCGGCACCTTCTACAGCTGGTGGTGCAGGCCGGGCTTTTCCACGGCAACGAGATGCTGTG[C>T]AAGACGGTGTCCAGCTCGGAGGTGAGCGTGTGCTCGGAGCCCGTGTGGAAGCAGCGGCTG-3'
Protein context (NP_005017.3, residues 345-365): AGLFHGNEML[Cys355=]KTVSSSEVSV